The following is an entry in ClinVar:

ClinVar aggregate classification (germline): Uncertain significance. Review status: criteria provided, multiple submitters, no conflicts (2 of 4 stars). 4 submissions from 4 submitters: Uncertain significance (3). 1 of the submissions does not count toward it. Last evaluated 2025-10-28.

Conditions:
SDHA-related disorder. Also called: SDHA-related disorders; SDHA-related condition.
Hereditary cancer-predisposing syndrome. Also called: Neoplastic Syndromes, Hereditary; Tumor predisposition; Hereditary Cancer Syndrome; Hereditary neoplastic syndrome. Identifiers: Orphanet 140162, MedGen C0027672, MeSH D009386, MONDO:0015356.
Pheochromocytoma/paraganglioma syndrome 5. Also called: Paragangliomas 5; SDHA-Related Hereditary Paraganglioma-Pheochromocytoma Syndrome. Identifiers: Orphanet 29072, MedGen C3279992, MONDO:0013602, OMIM 614165.
Mitochondrial complex II deficiency, nuclear type 1. Also called: SUCCINATE CoQ REDUCTASE DEFICIENCY. Identifiers: Orphanet 3208, MedGen C5700310, MONDO:0100294, OMIM 252011.

gnomAD v4.1: 8 of 1,613,824 alleles (0.0005%); highest among the groups gnomAD compares: Middle Eastern, 0.017%; no homozygotes.

Submissions (4):

Labcorp Genetics (formerly Invitae), Labcorp
Classification: Uncertain significance for Pheochromocytoma/paraganglioma syndrome 5; Mitochondrial complex II deficiency, nuclear type 1. Last evaluated: 2025-10-28. Review status: criteria provided, single submitter. Criteria: Invitae Variant Classification Sherloc (09022015). Collection method: clinical testing. Allele origin: germline.
Comment: This sequence change falls in intron 8 of the SDHA gene. It does not directly change the encoded amino acid sequence of the SDHA protein. It affects a nucleotide within the consensus splice site. This variant is present in population databases (rs200021115, gnomAD 0.003%). This variant has not been reported in the literature in individuals affected with SDHA-related conditions. ClinVar contains an entry for this variant (Variation ID: 412345). Variants that disrupt the consensus splice site are a relatively common cause of aberrant splicing (PMID: 17576681, 9536098). Studies have shown that this variant is associated with inconclusive levels of altered splicing (internal data). In summary, the available evidence is currently insufficient to determine the role of this variant in disease. Therefore, it has been classified as a Variant of Uncertain Significance.

Ambry Genetics
Classification: Uncertain significance for Hereditary cancer-predisposing syndrome. Last evaluated: 2025-09-02. Review status: criteria provided, single submitter. Criteria: Ambry Variant Classification Scheme 2023. Collection method: clinical testing. Allele origin: germline.
Comment: The c.1064+5G>C intronic variant results from a G to C substitution 5 nucleotides after coding exon 8 in the SDHA gene. This nucleotide position is well conserved in available vertebrate species. In silico splice site analysis for this alteration is inconclusive. RNA studies have demonstrated that this alteration results in a splice defect; the clinical impact of this abnormal splicing is unknown at this time (Ambry internal data). Based on the available evidence, the clinical significance of this variant remains unclear.

Blueprint Genetics
Classification: Uncertain significance. Last evaluated: 2023-11-24. Review status: criteria provided, single submitter. Criteria: ACMG Guidelines, 2015. Collection method: clinical testing. Allele origin: germline.

PreventionGenetics, part of Exact Sciences
Classification: Likely benign for SDHA-related condition. Last evaluated: 2024-09-18. Review status: no assertion criteria provided. Collection method: clinical testing. Allele origin: germline. Not counted in ClinVar's aggregate classification.
Comment: This variant is classified as likely benign based on ACMG/AMP sequence variant interpretation guidelines (Richards et al. 2015 PMID: 25741868, with internal and published modifications).

Literature cited by the submitters: PubMed 17576681 (cited by Labcorp Genetics (formerly Invitae), Labcorp); PubMed 9536098 (cited by Labcorp Genetics (formerly Invitae), Labcorp).

NM_004168.4(SDHA):c.1064+5G>C

Gene: SDHA (succinate dehydrogenase complex flavoprotein subunit A; plus strand). Cytogenetic location: 5p15.33.
Variant type: single nucleotide variant.
Coding change: c.1064+5G>C on transcript NM_004168.4 (MANE Select); 5 bases into the intron after coding-DNA position 1064, G replaced by C.
Molecular consequence: intron variant.
Genome position (GRCh38, 1-based): chr5:233,650, G>C. VCF-style: chr5-233650-G-C. GRCh37 (hg19) VCF-style: chr5-233765-G-C.
Other names: c.1064+5G>C (NM_001330758.2); c.920+5G>C (NM_001294332.2).
Identifiers: ClinVar variation 412345 (VCV000412345.18), dbSNP rs200021115, ClinGen allele CA3173078.